The following is an entry in ClinVar:

ClinVar aggregate classification (germline): Uncertain significance (1 of 4 stars; one submission).

Conditions:
D-2-hydroxyglutaric aciduria 2 (D2HGA2). Identifiers: Orphanet 79315, MedGen C3150909, MONDO:0013345, OMIM 613657.

Allele frequency attached by ClinVar (database versions not stated): gnomAD exomes below 0.00001; gnomAD 0.00001.
gnomAD v4.1: 2 of 1,614,042 alleles (0.00012%); highest among the groups gnomAD compares: African/African-American, 0.0027%; no homozygotes.

Submission:

Labcorp Genetics (formerly Invitae), Labcorp
Classification: Uncertain significance for D-2-hydroxyglutaric aciduria 2. Last evaluated: 2022-03-23. Review status: criteria provided, single submitter. Criteria: Invitae Variant Classification Sherloc (09022015). Collection method: clinical testing. Allele origin: germline.
Comment: In summary, the available evidence is currently insufficient to determine the role of this variant in disease. Therefore, it has been classified as a Variant of Uncertain Significance. Algorithms developed to predict the effect of missense changes on protein structure and function (SIFT, PolyPhen-2, Align-GVGD) all suggest that this variant is likely to be disruptive. This variant has not been reported in the literature in individuals affected with IDH2-related conditions. This variant is present in population databases (no rsID available, gnomAD 0.01%). This sequence change replaces glycine, which is neutral and non-polar, with alanine, which is neutral and non-polar, at codon 302 of the IDH2 protein (p.Gly302Ala).

NM_002168.4(IDH2):c.905G>C (p.Gly302Ala)

Gene: IDH2 (isocitrate dehydrogenase (NADP(+)) 2; minus strand). Cytogenetic location: 15q26.1.
Variant type: single nucleotide variant.
Coding change: c.905G>C on transcript NM_002168.4 (MANE Select); coding-DNA position 905, G replaced by C.
Protein change: p.Gly302Ala; replaces glycine 302 with alanine.
Molecular consequence: missense variant.
Genome position (GRCh38, 1-based): chr15:90,087,174, C>G on the plus strand (G>C on the coding strand, the complement: IDH2 is on the minus strand). VCF-style: chr15-90087174-C-G. GRCh37 (hg19) VCF-style: chr15-90630406-C-G.
Other names: c.749G>C, p.Gly250Ala (NM_001289910.1); c.515G>C, p.Gly172Ala (NM_001290114.2); short protein forms G250A, G302A, G172A.
Identifiers: ClinVar variation 2116192 (VCV002116192.4), dbSNP rs1269352756, ClinGen allele CA393801318.
Genomic context (GRCh38, chr15:90,087,174, plus strand): 5'-TGGGCCAGGATGTCTGACTGCACATCTCCGTCATAGTTCTTGCAGGCCCACACAAAGCCA[C>G]CCGAAGACTTGAGGACCTGAGCCACCATGTCATCAATGAGCCGGTGCTCATACCAGATCT-3'
Protein context (NP_002159.2, residues 292-312): DMVAQVLKSS[Gly302Ala]GFVWACKNYD